The following is an entry in ClinVar:

ClinVar aggregate classification (germline): Likely pathogenic (1 of 4 stars; one submission).

Submission:

GeneDx
Classification: Likely pathogenic. Last evaluated: 2020-06-16. Review status: criteria provided, single submitter. Criteria: GeneDx Variant Classification Process June 2021. Collection method: clinical testing. Allele origin: germline. Affected: yes.
Comment: Frameshift variant predicted to result in protein truncation or nonsense mediated decay in a gene for which loss-of-function is a known mechanism of disease; Not observed in large population cohorts (Lek et al., 2016); Has not been previously published as pathogenic or benign to our knowledge

NM_144508.5(KNL1):c.424_427del (p.Thr142fs)

Gene: KNL1 (kinetochore scaffold 1; plus strand). Cytogenetic location: 15q15.1.
Variant type: Deletion.
Coding change: c.424_427del on transcript NM_144508.5 (MANE Select); coding-DNA positions 424 to 427, 4 bases deleted (ACAG; older notation c.424_427delACAG).
Protein change: p.Thr142fs; shifts the reading frame from threonine 142.
Molecular consequence: frameshift variant.
Genome position (GRCh38, 1-based): chr15:40,620,688-40,620,691, ACAG deleted; deleting any 4 consecutive bases within chr15:40,620,685-40,620,691 gives the same sequence; the c. name uses the placement nearest the transcript's 3' end. VCF-style (leftmost placement, unchanged base first): chr15-40620684-CCAGA-C. GRCh37 (hg19) VCF-style: chr15-40912882-CCAGA-C.
Other names: c.502_505del, p.Thr168fs (NM_170589.5); c.502_505delACAG (NM_170589.3); short protein forms T142fs, T168fs.
Identifiers: ClinVar variation 817148 (VCV000817148.2), dbSNP rs1595923494, ClinGen allele CA915946538.
Genomic context (GRCh38, chr15:40,620,684, plus strand): 5'-TTTGCTTTCATTATAGTTTTCAATTATAGAACATACCCGTGAAAGGAAACATGCAAATGA[CCAGA>C]CAGTCATTTTTTCAGATGAAAACCAGATGGACCTGACATCAAGTCACACTGTAATGATTA-3'